The following is an entry in ClinVar:

NM_000053.4(ATP7B):c.1946+2T>G

Gene: ATP7B (ATPase copper transporting beta; minus strand). Cytogenetic location: 13q14.3.
Variant type: single nucleotide variant.
Coding change: c.1946+2T>G on transcript NM_000053.4 (MANE Select); the canonical splice donor site of the intron after coding-DNA position 1946, T replaced by G.
Molecular consequence: splice donor variant. On other transcripts: intron variant (13).
Genome position (GRCh38, 1-based): chr13:51,961,835, A>C on the plus strand (T>G on the coding strand, the complement: ATP7B is on the minus strand). VCF-style: chr13-51961835-A-C. GRCh37 (hg19) VCF-style: chr13-52535971-A-C.
Other names: c.1869+3037T>G (NM_001406541.1, NM_001406531.1, NM_001406532.1 and 5 more transcripts); c.1946+2T>G (NM_001406527.1, NM_001406537.1, NM_001406521.1 and 16 more transcripts); c.1773+3037T>G (NM_001406543.1, NM_001406544.1); c.1613+2T>G (NM_001243182.2); c.1286-11674T>G (NM_001406548.1); c.1913+2T>G (NM_001406524.1, NM_001406514.1); c.1708-4228T>G (NM_001406547.1, NM_001406545.1); c.1850+2T>G (NM_001406518.1, NM_001406536.1, NM_001406530.1 and 1 more transcripts); and 1 more.
Identifiers: ClinVar variation 4815072 (VCV004815072.1).
Genomic context (GRCh38, chr13:51,961,835, plus strand): 5'-GGGCCCAGGTAGAGGAAGGGACTTAGATGAGAGCTGGAGTTTATCTTTTGTGTTCTACCT[A>C]CTGCTTTATTTCCATCTTGTGGTCCAAGTGATGAGCGTTGGGGTTTCTCTGGGCCAGGGA-3'

ClinVar aggregate classification (germline): Pathogenic (1 of 4 stars; one submission).

Conditions:
Wilson disease (WND). Also called: Wilson's disease. Identifiers: Orphanet 905, MedGen C0019202, MONDO:0010200, OMIM 277900. Disease mechanism: loss of function.

Submission:

Natera, Inc.
Classification: Pathogenic for Wilson disease. Last evaluated: 2026-01-13. Review status: criteria provided, single submitter. Criteria: Natera Variant Classification Schema (03/2026). Collection method: clinical testing. Allele origin: germline.
Comment: The c.1946+2T>G variant in ATP7B is a canonical splice donor site variant predicted to affect pre-mRNA splicing, which may result in an abnormal transcript and altered protein product. This variant is expected to result in nonsense mediated decay, truncation, or a dysfunctional protein product. This variant is rare in the general population with a frequency below the threshold expected for the associated phenotype(s). Another variant at this same site results in an alteration predicted to cause a similar molecular effect has been observed in individual(s) with the associated phenotype. Given the available evidence, this variant is classified as Pathogenic.